The following is an entry in ClinVar:

ClinVar aggregate classification (germline): Uncertain significance. Review status: criteria provided, multiple submitters, no conflicts (2 of 4 stars). 2 submissions from 2 submitters: Uncertain significance (2). Last evaluated 2025-12-13.

Allele frequency attached by ClinVar (database versions not stated): 1000 Genomes Project 0.00020; TOPMed 0.00022; ESP Exome Variant Server 0.00038.

Submissions (2):

Labcorp Genetics (formerly Invitae), Labcorp
Classification: Uncertain significance. Last evaluated: 2025-12-13. Review status: criteria provided, single submitter. Criteria: Invitae Variant Classification Sherloc (09022015). Collection method: clinical testing. Allele origin: germline.
Comment: This sequence change replaces proline, which is neutral and non-polar, with arginine, which is basic and polar, at codon 467 of the AGAP1 protein (p.Pro467Arg). This variant is present in population databases (rs143511786, gnomAD 0.1%), and has an allele count higher than expected for a pathogenic variant. This variant has not been reported in the literature in individuals affected with AGAP1-related conditions. ClinVar contains an entry for this variant (Variation ID: 2041990). An algorithm developed to predict the effect of missense changes on protein structure and function (PolyPhen-2) suggests that this variant is likely to be disruptive. In summary, the available evidence is currently insufficient to determine the role of this variant in disease. Therefore, it has been classified as a Variant of Uncertain Significance.

Ambry Genetics
Classification: Uncertain significance. Last evaluated: 2025-10-21. Review status: criteria provided, single submitter. Criteria: Ambry Variant Classification Scheme 2023. Collection method: clinical testing. Allele origin: germline.

NM_001037131.3(AGAP1):c.1559C>G (p.Pro520Arg)

Gene: AGAP1 (ArfGAP with GTPase domain, ankyrin repeat and PH domain 1; plus strand). Cytogenetic location: 2q37.2.
Variant type: single nucleotide variant.
Coding change: c.1559C>G on transcript NM_001037131.3 (MANE Select); coding-DNA position 1559, C replaced by G.
Protein change: p.Pro520Arg; replaces proline 520 with arginine.
Molecular consequence: missense variant.
Genome position (GRCh38, 1-based): chr2:235,968,537, C>G. VCF-style: chr2-235968537-C-G. GRCh37 (hg19) VCF-style: chr2-236877181-C-G.
Other names: c.1400C>G, p.Pro467Arg (NM_014914.5); c.1559C>G (NM_001037131.2); short protein forms P520R, P467R.
Identifiers: ClinVar variation 2041990 (VCV002041990.6), dbSNP rs143511786, ClinGen allele CA2184911.
Genomic context (GRCh38, chr2:235,968,537, plus strand): 5'-ACTCCGTATGCTCCAGCCCCAGTATCTCCAGCACCACCAGCCCCAAGCTCGACCCGCCCC[C>G]CTCCCCTCACGCCAACAGAAAGAAGCACCGAAGGAAGAAAAGCACTAGCAACTTCAAAGC-3'
Protein context (NP_001032208.1, residues 510-530): STTSPKLDPP[Pro520Arg]SPHANRKKHR